The following is an entry in ClinVar:

ClinVar aggregate classification (germline): Benign. Review status: criteria provided, single submitter (1 of 4 stars). 2 submissions from 2 submitters: Benign (1). 1 of the submissions does not count toward it. Last evaluated 2026-01-12.

Conditions:
Idiopathic generalized epilepsy. Also called: Generalised epilepsy; EIG. Identifiers: MedGen C0270850, MONDO:0005579, OMIM 600669.
RBFOX3-related disorder. Also called: RBFOX3-related condition.

Allele frequency attached by ClinVar (database versions not stated): gnomAD 0.00001 and 0.00032; TOPMed 0.00005; gnomAD exomes 0.00041 and 0.00116; 1000 Genomes Project 0.00220; 1000 Genomes Project 30x 0.00234; ExAC 0.00493.
gnomAD v4.1: 616 of 1,547,478 alleles (0.04%); highest among the groups gnomAD compares: South Asian, 0.7%; 8 homozygotes.

Submissions (2):

Labcorp Genetics (formerly Invitae), Labcorp
Classification: Benign for Idiopathic generalized epilepsy. Last evaluated: 2026-01-12. Review status: criteria provided, single submitter. Criteria: Invitae Variant Classification Sherloc (09022015). Collection method: clinical testing. Allele origin: germline.

PreventionGenetics, part of Exact Sciences
Classification: Benign for RBFOX3-related condition. Last evaluated: 2019-06-21. Review status: no assertion criteria provided. Collection method: clinical testing. Allele origin: germline. Not counted in ClinVar's aggregate classification.
Comment: This variant is classified as benign based on ACMG/AMP sequence variant interpretation guidelines (Richards et al. 2015 PMID: 25741868, with internal and published modifications).

NM_001350451.2(RBFOX3):c.641C>A (p.Pro214His)

Gene: RBFOX3 (RNA binding fox-1 homolog 3; minus strand). Cytogenetic location: 17q25.3.
Variant type: single nucleotide variant.
Coding change: c.641C>A on transcript NM_001350451.2 (MANE Select); coding-DNA position 641, C replaced by A.
Protein change: p.Pro214His; replaces proline 214 with histidine.
Molecular consequence: missense variant.
Genome position (GRCh38, 1-based): chr17:79,097,406, G>T on the plus strand (C>A on the coding strand, the complement: RBFOX3 is on the minus strand). VCF-style: chr17-79097406-G-T. GRCh37 (hg19) VCF-style: chr17-77093488-G-T.
Other names: c.641C>A, p.Pro214His (NM_001082575.3, NM_001350453.2, NM_001385804.1 and 33 more transcripts); c.638C>A, p.Pro213His (NM_001385806.1, NM_001385822.1, NM_001385823.1 and 4 more transcripts); c.548C>A, p.Pro183His (NM_001385824.1); c.662C>A, p.Pro221His (NM_001385827.1); c.494C>A, p.Pro165His (NM_001385847.1); short protein forms P214H, P165H, P183H, P213H, P221H.
Identifiers: ClinVar variation 529539 (VCV000529539.13), dbSNP rs370372079, ClinGen allele CA8810255.
Genomic context (GRCh38, chr17:79,097,406, plus strand): 5'-ACGGCCCGGCCCCGGCCCCGAAGATGTGCGCCCCGGTAGGCAACGGCTGTGCCGGTGGTG[G>T]GGTAGGGGAACCCCGTCACTGCAGGAAACGGGGCCCGAGACACGTGTGAGAGGCACAAGG-3'
Protein context (NP_001337380.1, residues 204-224): EFYAVTGFPY[Pro214His]TTGTAVAYRG